The following is an entry in ClinVar:

ClinVar aggregate classification (germline): Uncertain significance (1 of 4 stars; one submission).

Submission:

Labcorp Genetics (formerly Invitae), Labcorp
Classification: Uncertain significance. Last evaluated: 2022-08-15. Review status: criteria provided, single submitter. Criteria: Invitae Variant Classification Sherloc (09022015). Collection method: clinical testing. Allele origin: germline.
Comment: In summary, the available evidence is currently insufficient to determine the role of this variant in disease. Therefore, it has been classified as a Variant of Uncertain Significance. Algorithms developed to predict the effect of missense changes on protein structure and function (SIFT, PolyPhen-2, Align-GVGD) all suggest that this variant is likely to be tolerated. ClinVar contains an entry for this variant (Variation ID: 1413146). This variant has not been reported in the literature in individuals affected with FBXO11-related conditions. This variant is not present in population databases (gnomAD no frequency). This sequence change replaces glutamic acid, which is acidic and polar, with glycine, which is neutral and non-polar, at codon 128 of the FBXO11 protein (p.Glu128Gly).

NM_001190274.2(FBXO11):c.383A>G (p.Glu128Gly)

Gene: FBXO11 (F-box protein 11; minus strand). Cytogenetic location: 2p16.3.
Variant type: single nucleotide variant.
Coding change: c.383A>G on transcript NM_001190274.2 (MANE Select); coding-DNA position 383, A replaced by G.
Protein change: p.Glu128Gly; replaces glutamic acid 128 with glycine.
Molecular consequence: missense variant.
Genome position (GRCh38, 1-based): chr2:47,839,478, T>C on the plus strand (A>G on the coding strand, the complement: FBXO11 is on the minus strand). VCF-style: chr2-47839478-T-C. GRCh37 (hg19) VCF-style: chr2-48066617-T-C.
Other names: c.131A>G, p.Glu44Gly (NM_001374325.1, NM_025133.4); short protein forms E128G, E44G.
Identifiers: ClinVar variation 1413146 (VCV001413146.8), dbSNP rs2104860927, ClinGen allele CA346813464.
Genomic context (GRCh38, chr2:47,839,478, plus strand): 5'-CCTGATAGATCTTGTGATTTTCCAGACACTCTTGCACGTTTTGCACGATGACCAAAGTTT[T>C]CTGTAGTTGAAGTTGAGGCGCCCTTCAAAAACAAAACAGAAACTAGTAAAGCAAATATTC-3'
Protein context (NP_001177203.1, residues 118-138): SMEGASTSTT[Glu128Gly]NFGHRAKRAR